The following is an entry in ClinVar:

ClinVar aggregate classification (germline): Pathogenic (1 of 4 stars; one submission).

Conditions:
Hypertrophic cardiomyopathy 4. Also called: Familial hypertrophic cardiomyopathy 4. Identifiers: MedGen C1861862, MONDO:0007268, OMIM 115197.

Submission:

3billion
Classification: Pathogenic for Hypertrophic cardiomyopathy 4. Last evaluated: 2024-07-15. Review status: criteria provided, single submitter. Criteria: ACMG Guidelines, 2015. Collection method: clinical testing. Allele origin: germline. Affected: yes.
Comment: The variant is not observed in the gnomAD v4.0.0 dataset. Predicted Consequence/Location: Frameshift: predicted to result in a loss or disruption of normal protein function through nonsense-mediated decay (NMD) or protein truncation. Multiple pathogenic variants are reported downstream of the variant. The variant has been reported to be associated with MYBPC3 related disorder (3billion dataset). Therefore, this variant is classified as Pathogenic according to the recommendation of ACMG/AMP guideline.

NM_000256.3(MYBPC3):c.2262del (p.Asn755fs)

Gene: MYBPC3 (myosin binding protein C3; minus strand). Cytogenetic location: 11p11.2.
Variant type: Deletion.
Coding change: c.2262del on transcript NM_000256.3 (MANE Select); coding-DNA position 2262, one base deleted (G; older notation c.2262delG).
Protein change: p.Asn755fs; shifts the reading frame from asparagine 755.
Molecular consequence: frameshift variant.
Genome position (GRCh38, 1-based): chr11:47,338,566, C deleted on the plus strand (G on the coding strand, the reverse complement: MYBPC3 is on the minus strand). VCF-style (leftmost placement, unchanged base first): chr11-47338565-TC-T. GRCh37 (hg19) VCF-style: chr11-47360116-TC-T.
Other names: short protein forms N755fs.
Identifiers: ClinVar variation 4292001 (VCV004292001.1).